The following is an entry in ClinVar:

ClinVar aggregate classification (germline): Uncertain significance (1 of 4 stars; one submission).

Conditions:
Ataxia-telangiectasia syndrome (AT). Also called: LOUIS-BAR SYNDROME; Cerebello-oculocutaneous telangiectasia; Immunodeficiency with ataxia telangiectasia; Ataxia telangiectasia (A-T); Ataxia-telangiectasia, complementation group D; AT, COMPLEMENTATION GROUP C. Identifiers: Orphanet 100, MedGen C0004135, MONDO:0008840, OMIM 208900.

Submission:

Labcorp Genetics (formerly Invitae), Labcorp
Classification: Uncertain significance for Ataxia-telangiectasia syndrome. Last evaluated: 2021-06-26. Review status: criteria provided, single submitter. Criteria: Invitae Variant Classification Sherloc (09022015). Collection method: clinical testing. Allele origin: germline.
Comment: In summary, the available evidence is currently insufficient to determine the role of this variant in disease. Therefore, it has been classified as a Variant of Uncertain Significance. Nucleotide substitutions within the consensus splice site are a relatively common cause of aberrant splicing (PMID: 17576681, 9536098). Algorithms developed to predict the effect of sequence changes on RNA splicing suggest that this variant is not likely to affect RNA splicing, but this prediction has not been confirmed by published transcriptional studies. This variant has not been reported in the literature in individuals with ATM-related conditions. This variant is not present in population databases (ExAC no frequency). This sequence change falls in intron 49 of the ATM gene. It does not directly change the encoded amino acid sequence of the ATM protein. It affects a nucleotide within the consensus splice site of the intron.

Literature cited by the submitters: PubMed 17576681; PubMed 9536098.

NM_000051.4(ATM):c.7307+6T>A

Genes: ATM (ATM serine/threonine kinase; plus strand), C11orf65 (chromosome 11 open reading frame 65; minus strand). Cytogenetic location: 11q22.3.
Variant type: single nucleotide variant.
Coding change: c.7307+6T>A on transcript NM_000051.4 (MANE Select); 6 bases into the intron after coding-DNA position 7307, T replaced by A.
Molecular consequence: intron variant.
Genome position (GRCh38, 1-based): chr11:108,329,244, T>A. VCF-style: chr11-108329244-T-A. GRCh37 (hg19) VCF-style: chr11-108199971-T-A.
Other names: c.7307+6T>A (NM_001351834.2); c.641-20173A>T (NM_001330368.2); c.*38+5976A>T (NM_001351110.2).
Identifiers: ClinVar variation 1501679 (VCV001501679.7), dbSNP rs2136424824, ClinGen allele CA2503285583.